The following is an entry in ClinVar:

NM_020631.6(PLEKHG5):c.1715C>T (p.Ala572Val)

Gene: PLEKHG5 (pleckstrin homology and RhoGEF domain containing G5; minus strand). Cytogenetic location: 1p36.31.
Variant type: single nucleotide variant.
Coding change: c.1715C>T on transcript NM_020631.6 (MANE Select); coding-DNA position 1715, C replaced by T.
Protein change: p.Ala572Val; replaces alanine 572 with valine.
Molecular consequence: missense variant.
Genome position (GRCh38, 1-based): chr1:6,470,321, G>A on the plus strand (C>T on the coding strand, the complement: PLEKHG5 is on the minus strand). VCF-style: chr1-6470321-G-A. GRCh37 (hg19) VCF-style: chr1-6530381-G-A.
Other names: c.1826C>T, p.Ala609Val (NM_001042663.3, NM_001265592.2); c.1715C>T, p.Ala572Val (NM_001042664.2, NM_001042665.2, NM_001265594.3 and 1 more transcripts); c.1922C>T, p.Ala641Val (NM_001265593.2); short protein forms A572V, A641V, A609V.
Identifiers: ClinVar variation 947809 (VCV000947809.7), dbSNP rs761560984, ClinGen allele CA561395.

ClinVar aggregate classification (germline): Uncertain significance (1 of 4 stars; one submission).

Conditions:
Charcot-Marie-Tooth disease recessive intermediate C. Also called: CHARCOT-MARIE-TOOTH NEUROPATHY, RECESSIVE INTERMEDIATE C. Identifiers: Orphanet 369867, MedGen C3809309, MONDO:0014154, OMIM 615376.
Neuronopathy, distal hereditary motor, autosomal recessive 4. Also called: Autosomal recessive lower motor neuron disease with childhood onset; NEUROPATHY, DISTAL HEREDITARY MOTOR, AUTOSOMAL RECESSIVE 4. Identifiers: Orphanet 206580, MedGen C1970211, MONDO:0012608, OMIM 611067.

Allele frequency attached by ClinVar (database versions not stated): gnomAD exomes 0.00002.
gnomAD v4.1: 8 of 1,614,024 alleles (0.0005%); highest among the groups gnomAD compares: South Asian, 0.0077%; no homozygotes.

Submission:

Labcorp Genetics (formerly Invitae), Labcorp
Classification: Uncertain significance for Neuronopathy, distal hereditary motor, autosomal recessive 4; Charcot-Marie-Tooth disease recessive intermediate C. Last evaluated: 2022-07-11. Review status: criteria provided, single submitter. Criteria: Invitae Variant Classification Sherloc (09022015). Collection method: clinical testing. Allele origin: germline.
Comment: This sequence change replaces alanine, which is neutral and non-polar, with valine, which is neutral and non-polar, at codon 572 of the PLEKHG5 protein (p.Ala572Val). This variant is present in population databases (rs761560984, gnomAD 0.01%). This variant has not been reported in the literature in individuals affected with PLEKHG5-related conditions. ClinVar contains an entry for this variant (Variation ID: 947809). Algorithms developed to predict the effect of missense changes on protein structure and function output the following: SIFT: "Tolerated"; PolyPhen-2: "Benign"; Align-GVGD: "Class C0". The valine amino acid residue is found in multiple mammalian species, which suggests that this missense change does not adversely affect protein function. In summary, the available evidence is currently insufficient to determine the role of this variant in disease. Therefore, it has been classified as a Variant of Uncertain Significance.